The following is an entry in ClinVar:

ClinVar aggregate classification (germline): Uncertain significance (1 of 4 stars; one submission).

Conditions:
Noonan syndrome 9 (NS9). Identifiers: Orphanet 648, MedGen C4225282, MONDO:0014691, OMIM 616559.

Submission:

Labcorp Genetics (formerly Invitae), Labcorp
Classification: Uncertain significance for Noonan syndrome 9. Last evaluated: 2022-09-03. Review status: criteria provided, single submitter. Criteria: Invitae Variant Classification Sherloc (09022015). Collection method: clinical testing. Allele origin: germline.
Comment: This sequence change replaces glutamine, which is neutral and polar, with arginine, which is basic and polar, at codon 785 of the SOS2 protein (p.Gln785Arg). This variant is not present in population databases (gnomAD no frequency). In summary, the available evidence is currently insufficient to determine the role of this variant in disease. Therefore, it has been classified as a Variant of Uncertain Significance. Advanced modeling of protein sequence and biophysical properties (such as structural, functional, and spatial information, amino acid conservation, physicochemical variation, residue mobility, and thermodynamic stability) performed at Invitae indicates that this missense variant is expected to disrupt SOS2 protein function. This variant has not been reported in the literature in individuals affected with SOS2-related conditions.

NM_006939.4(SOS2):c.2354A>G (p.Gln785Arg)

Gene: SOS2 (SOS Ras/Rho guanine nucleotide exchange factor 2; minus strand). Cytogenetic location: 14q21.3.
Variant type: single nucleotide variant.
Coding change: c.2354A>G on transcript NM_006939.4 (MANE Select); coding-DNA position 2354, A replaced by G.
Protein change: p.Gln785Arg; replaces glutamine 785 with arginine.
Molecular consequence: missense variant.
Genome position (GRCh38, 1-based): chr14:50,150,038, T>C on the plus strand (A>G on the coding strand, the complement: SOS2 is on the minus strand). VCF-style: chr14-50150038-T-C. GRCh37 (hg19) VCF-style: chr14-50616756-T-C.
Other names: c.2255A>G, p.Gln752Arg (NM_001411020.1); short protein forms Q752R, Q785R.
Identifiers: ClinVar variation 1718735 (VCV001718735.6), dbSNP rs2502941607, ClinGen allele CA389643645.
Genomic context (GRCh38, chr14:50,150,038, plus strand): 5'-TAAAGCAAGACATTAACATTAATTGTCTACCTGTAAAGATCAGACTCCAAAAGTGTCAGC[T>C]GACGTGCAATTTCTATTGGATGAAGTGTCATGAGATCAAATGTTTCAAACTGTCCTGGTT-3'
Protein context (NP_008870.2, residues 775-795): MTLHPIEIAR[Gln785Arg]LTLLESDLYR